The following is an entry in ClinVar:

NM_001985.3(ETFB):c.113T>C (p.Met38Thr)

Gene: ETFB (electron transfer flavoprotein subunit beta; minus strand). Cytogenetic location: 19q13.41.
Variant type: single nucleotide variant.
Coding change: c.113T>C on transcript NM_001985.3 (MANE Select); coding-DNA position 113, T replaced by C.
Protein change: p.Met38Thr; replaces methionine 38 with threonine.
Molecular consequence: missense variant.
Genome position (GRCh38, 1-based): chr19:51,354,253, A>G on the plus strand (T>C on the coding strand, the complement: ETFB is on the minus strand). VCF-style: chr19-51354253-A-G. GRCh37 (hg19) VCF-style: chr19-51857507-A-G.
Other names: c.386T>C, p.Met129Thr (NM_001014763.1); short protein forms M129T, M38T.
Identifiers: ClinVar variation 1054151 (VCV001054151.10), dbSNP rs775541180, ClinGen allele CA9610862.

ClinVar aggregate classification (germline): Uncertain significance. Review status: criteria provided, multiple submitters, no conflicts (2 of 4 stars). 2 submissions from 2 submitters: Uncertain significance (2). Last evaluated 2023-06-28.

Conditions:
Multiple acyl-CoA dehydrogenase deficiency (MADD). Also called: Glutaric aciduria, type 2; Glutaric acidemia type II; GA 2; ETHYLMALONIC-ADIPICACIDURIA; GA II; Glutaric Acidemia type 2. Identifiers: Orphanet 26791, MedGen C0268596, MONDO:0009282, OMIM 231680.

Allele frequency attached by ClinVar (database versions not stated): ExAC 0.00001; gnomAD 0.00001; gnomAD exomes 0.00001.
gnomAD v4.1: 10 of 1,614,084 alleles (0.00062%); highest among the groups gnomAD compares: South Asian, 0.0077%; no homozygotes.

Submissions (2):

Blueprint Genetics
Classification: Uncertain significance. Last evaluated: 2023-06-28. Review status: criteria provided, single submitter. Criteria: ACMG Guidelines, 2015. Collection method: clinical testing. Allele origin: germline.

Labcorp Genetics (formerly Invitae), Labcorp
Classification: Uncertain significance for Multiple acyl-CoA dehydrogenase deficiency. Last evaluated: 2022-02-08. Review status: criteria provided, single submitter. Criteria: Invitae Variant Classification Sherloc (09022015). Collection method: clinical testing. Allele origin: germline.
Comment: This sequence change replaces methionine, which is neutral and non-polar, with threonine, which is neutral and polar, at codon 38 of the ETFB protein (p.Met38Thr). This variant is present in population databases (rs775541180, gnomAD 0.003%). This variant has not been reported in the literature in individuals affected with ETFB-related conditions. ClinVar contains an entry for this variant (Variation ID: 1054151). Algorithms developed to predict the effect of missense changes on protein structure and function (SIFT, PolyPhen-2, Align-GVGD) all suggest that this variant is likely to be disruptive. In summary, the available evidence is currently insufficient to determine the role of this variant in disease. Therefore, it has been classified as a Variant of Uncertain Significance.